The following is an entry in ClinVar:

NM_000038.6(APC):c.834+3625T>A

Gene: APC (APC regulator of WNT signaling pathway; plus strand). Cytogenetic location: 5q22.2.
Variant type: single nucleotide variant.
Coding change: c.834+3625T>A on transcript NM_000038.6 (MANE Select); 3625 bases into the intron after coding-DNA position 834, T replaced by A.
Molecular consequence: intron variant.
Genome position (GRCh38, 1-based): chr5:112,805,008, T>A. VCF-style: chr5-112805008-T-A. GRCh37 (hg19) VCF-style: chr5-112140705-T-A.
Other names: c.834+3625T>A (NM_001354895.2, NM_001127510.3, NM_001354896.2 and 1 more transcripts); c.864+3625T>A (NM_001354897.2, NM_001354902.2); c.780+3625T>A (NM_001127511.3); c.759+3625T>A (NM_001354898.2, NM_001354904.2); c.-202+3625T>A (NM_001354906.2); c.750+3625T>A (NM_001354899.2); c.657+3625T>A (NM_001354900.2, NM_001354901.2, NM_001354905.2).
Identifiers: ClinVar variation 83054 (VCV000083054.2), dbSNP rs78473324, ClinGen allele CA014746.

ClinVar aggregate classification (germline): other (0 of 4 stars; one submission).

Conditions:
Familial colorectal cancer. Identifiers: MedGen CN280943, MONDO:0023113. Disease mechanism: loss of function.

Allele frequency attached by ClinVar (database versions not stated): gnomAD 0.00163.

Submission:

Systems Biology Platform Zhejiang California International NanoSystems Institute
Classification: other for Familial colorectal cancer. Review status: no assertion criteria provided. Collection method: not provided. Allele origin: unknown.
ClinVar note: Converted during submission from cancer to other.